The following is an entry in ClinVar:

ClinVar aggregate classification (germline): Uncertain significance (1 of 4 stars; one submission).

Conditions:
Microcephaly-intellectual disability-sensorineural hearing loss-epilepsy-abnormal muscle tone syndrome (NEDHSB). Also called: NEURODEVELOPMENTAL DISORDER WITH HEARING LOSS, SEIZURES, AND BRAIN ABNORMALITIES. Identifiers: Orphanet 457351, MedGen C4225276, MONDO:0014698, OMIM 616577.

Submission:

Labcorp Genetics (formerly Invitae), Labcorp
Classification: Uncertain significance for Microcephaly-intellectual disability-sensorineural hearing loss-epilepsy-abnormal muscle tone syndrome. Last evaluated: 2021-03-11. Review status: criteria provided, single submitter. Criteria: Invitae Variant Classification Sherloc (09022015). Collection method: clinical testing. Allele origin: germline.
Comment: This sequence change replaces histidine with glutamine at codon 69 of the SPATA5 protein (p.His69Gln). The histidine residue is moderately conserved and there is a small physicochemical difference between histidine and glutamine. This variant is not present in population databases (ExAC no frequency). This variant has not been reported in the literature in individuals with SPATA5-related conditions. Algorithms developed to predict the effect of missense changes on protein structure and function output the following: SIFT: "Tolerated"; PolyPhen-2: "Benign"; Align-GVGD: "Class C0". The glutamine amino acid residue is found in multiple mammalian species, suggesting that this missense change does not adversely affect protein function. These predictions have not been confirmed by published functional studies and their clinical significance is uncertain. In summary, the available evidence is currently insufficient to determine the role of this variant in disease. Therefore, it has been classified as a Variant of Uncertain Significance.

NM_145207.3(AFG2A):c.207T>A (p.His69Gln)

Gene: AFG2A (AAA ATPase AFG2A; plus strand). Cytogenetic location: 4q28.1.
Variant type: single nucleotide variant.
Coding change: c.207T>A on transcript NM_145207.3 (MANE Select); coding-DNA position 207, T replaced by A.
Protein change: p.His69Gln; replaces histidine 69 with glutamine.
Molecular consequence: missense variant.
Genome position (GRCh38, 1-based): chr4:122,927,677, T>A. VCF-style: chr4-122927677-T-A. GRCh37 (hg19) VCF-style: chr4-123848832-T-A.
Other names: c.204T>A, p.His68Gln (NM_001317799.2, NM_001345856.2); short protein forms H68Q, H69Q.
Identifiers: ClinVar variation 836531 (VCV000836531.6), dbSNP rs1728492713, ClinGen allele CA358099128.